The following is an entry in ClinVar:

ClinVar aggregate classification (germline): Conflicting classifications of pathogenicity. Review status: criteria provided, conflicting classifications (1 of 4 stars). 4 submissions from 4 submitters: Uncertain significance (1); Benign (1); Likely benign (2). Last evaluated 2026-01-11.

Conditions:
Wolfram syndrome 1 (WFS1). Identifiers: Orphanet 3463, MedGen C4551693, MONDO:0009101, OMIM 222300.

Allele frequency attached by ClinVar (database versions not stated): ExAC 0.00002; gnomAD 0.00004 and 0.00005; TOPMed 0.00008.
gnomAD v4.1: 16 of 1,612,960 alleles (0.00099%); highest among the groups gnomAD compares: African/African-American, 0.02%; no homozygotes.

Submissions (4):

Labcorp Genetics (formerly Invitae), Labcorp
Classification: Likely benign. Last evaluated: 2026-01-11. Review status: criteria provided, single submitter. Criteria: Invitae Variant Classification Sherloc (09022015). Collection method: clinical testing. Allele origin: germline.

Blueprint Genetics
Classification: Likely benign. Last evaluated: 2021-08-06. Review status: criteria provided, single submitter. Criteria: ACMG Guidelines, 2015. Collection method: clinical testing. Allele origin: germline.

Eurofins Ntd Llc (ga)
Classification: Uncertain significance. Last evaluated: 2017-11-08. Review status: criteria provided, single submitter. Criteria: EGL Classification Definitions 2015. Collection method: clinical testing. Allele origin: germline. Observed: 1 variant allele, 1 heterozygote.

Clinical Genomics, Uppaluri K&H Personalized Medicine Clinic
Classification: Benign for Wolfram syndrome 1. Review status: criteria provided, single submitter. Criteria: K & H Uppaluri Personalized Medicine Clinic Variant Classification & Assertion Criteria_Updated V.1. Collection method: research. Allele origin: unknown. Inheritance: Autosomal recessive inheritance.
Comment: Potent mutations in WFS1 gene are associated with Wolfram's syndrome, an autosomal recessive condition, which cause diabetes mellitus, diabetes insipidus, deafness and optic atrophy. However no sufficient evidence is found to ascertain the role of this particular variant rs758731318 in Wolfram's syndrome yet.

Literature cited by the submitters: PubMed 20738327 (cited by Clinical Genomics, Uppaluri K&H Personalized Medicine Clinic); PubMed 33879153 (cited by Clinical Genomics, Uppaluri K&H Personalized Medicine Clinic); PubMed 12955714 (cited by Clinical Genomics, Uppaluri K&H Personalized Medicine Clinic); PubMed 18060660 (cited by Clinical Genomics, Uppaluri K&H Personalized Medicine Clinic); PubMed 20301750 (cited by Clinical Genomics, Uppaluri K&H Personalized Medicine Clinic); PubMed 17603484 (cited by Clinical Genomics, Uppaluri K&H Personalized Medicine Clinic).

NM_006005.3(WFS1):c.498C>G (p.Leu166=)

Gene: WFS1 (wolframin ER transmembrane glycoprotein; plus strand). Cytogenetic location: 4p16.1.
Variant type: single nucleotide variant.
Coding change: c.498C>G on transcript NM_006005.3 (MANE Select); coding-DNA position 498, C replaced by G.
Protein change: p.Leu166=; no amino-acid change (leucine 166 retained).
Molecular consequence: synonymous variant.
Genome position (GRCh38, 1-based): chr4:6,291,234, C>G. VCF-style: chr4-6291234-C-G. GRCh37 (hg19) VCF-style: chr4-6292961-C-G.
Other names: c.498C>G, p.Leu166= (NM_001145853.1).
Identifiers: ClinVar variation 594730 (VCV000594730.14), dbSNP rs758731318, ClinGen allele CA2838921.